The following is an entry in ClinVar:

ClinVar aggregate classification (germline): Uncertain significance (1 of 4 stars; one submission).

gnomAD v4.1: 9 of 1,612,932 alleles (0.00056%); highest among the groups gnomAD compares: African/African-American, 0.0027%; no homozygotes.

Submission:

Labcorp Genetics (formerly Invitae), Labcorp
Classification: Uncertain significance. Last evaluated: 2024-02-22. Review status: criteria provided, single submitter. Criteria: Invitae Variant Classification Sherloc (09022015). Collection method: clinical testing. Allele origin: germline.
Comment: This sequence change replaces threonine, which is neutral and polar, with alanine, which is neutral and non-polar, at codon 115 of the MAP3K8 protein (p.Thr115Ala). This variant is present in population databases (rs368515552, gnomAD 0.002%). This variant has not been reported in the literature in individuals affected with MAP3K8-related conditions. An algorithm developed to predict the effect of missense changes on protein structure and function (PolyPhen-2) suggests that this variant is likely to be tolerated. In summary, the available evidence is currently insufficient to determine the role of this variant in disease. Therefore, it has been classified as a Variant of Uncertain Significance.

NM_005204.4(MAP3K8):c.343A>G (p.Thr115Ala)

Gene: MAP3K8 (mitogen-activated protein kinase kinase kinase 8; plus strand). Cytogenetic location: 10p11.23.
Variant type: single nucleotide variant.
Coding change: c.343A>G on transcript NM_005204.4 (MANE Select); coding-DNA position 343, A replaced by G.
Protein change: p.Thr115Ala; replaces threonine 115 with alanine.
Molecular consequence: missense variant.
Genome position (GRCh38, 1-based): chr10:30,447,788, A>G. VCF-style: chr10-30447788-A-G. GRCh37 (hg19) VCF-style: chr10-30736717-A-G.
Other names: c.343A>G, p.Thr115Ala (NM_001244134.1, NM_001320961.2); short protein forms T115A.
Identifiers: ClinVar variation 3604347 (VCV003604347.2).